The following is an entry in ClinVar:

ClinVar aggregate classification (germline): Pathogenic. Review status: criteria provided, multiple submitters, no conflicts (2 of 4 stars). 2 submissions from 2 submitters: Pathogenic (2). Last evaluated 2025-03-06.

Conditions:
Neuronal ceroid lipofuscinosis. Also called: Neuronal Ceroid Lipofuscinoses. Identifiers: Orphanet 216, Orphanet 79263, MedGen C0027877, MONDO:0016295. Disease mechanism: loss of function.
Neuronal ceroid lipofuscinosis 10 (CLN10). Also called: NEURONAL CEROID LIPOFUSCINOSIS DUE TO CATHEPSIN D DEFICIENCY; CTSD-Related Neuronal Ceroid-Lipofuscinosis. Identifiers: Orphanet 228337, MedGen C1864669, MONDO:0012414, OMIM 610127.

Submissions (2):

Labcorp Genetics (formerly Invitae), Labcorp
Classification: Pathogenic for Neuronal ceroid lipofuscinosis. Last evaluated: 2025-03-06. Review status: criteria provided, single submitter. Criteria: Invitae Variant Classification Sherloc (09022015). Collection method: clinical testing. Allele origin: germline.
Comment: This sequence change creates a premature translational stop signal (p.Leu11Phefs*41) in the CTSD gene. It is expected to result in an absent or disrupted protein product. Loss-of-function variants in CTSD are known to be pathogenic (PMID: 16670177, 26059544). This variant is not present in population databases (gnomAD no frequency). This variant has not been reported in the literature in individuals affected with CTSD-related conditions. ClinVar contains an entry for this variant (Variation ID: 1322174). For these reasons, this variant has been classified as Pathogenic.

Revvity Omics, Revvity
Classification: Pathogenic for Neuronal ceroid lipofuscinosis 10. Last evaluated: 2020-08-21. Review status: criteria provided, single submitter. Criteria: ACMG Guidelines, 2015. Collection method: clinical testing. Allele origin: germline.

Literature cited by the submitters: PubMed 16670177 (cited by Labcorp Genetics (formerly Invitae), Labcorp); PubMed 26059544 (cited by Labcorp Genetics (formerly Invitae), Labcorp).

NM_001909.5(CTSD):c.17_30dup (p.Leu11fs)

Gene: CTSD (cathepsin D; minus strand). Cytogenetic location: 11p15.5.
Variant type: Duplication.
Coding change: c.17_30dup on transcript NM_001909.5 (MANE Select); coding-DNA positions 17 to 30, 14 bases duplicated (TTCTGCCGCTCGCC).
Protein change: p.Leu11fs; shifts the reading frame from leucine 11.
Molecular consequence: frameshift variant.
Genome position (GRCh38, 1-based): chr11:1,763,830-1,763,843, GGCGAGCGGCAGAA duplicated on the plus strand (TTCTGCCGCTCGCC on the coding strand, the reverse complement: CTSD is on the minus strand); duplicating any 14 consecutive bases within chr11:1,763,830-1,763,846 gives the same sequence; the c. name uses the placement nearest the transcript's 3' end. VCF-style (leftmost placement, unchanged base first): chr11-1763829-G-GGGCGAGCGGCAGAA. GRCh37 (hg19) VCF-style: chr11-1785059-G-GGGCGAGCGGCAGAA.
Other names: short protein forms L11fs.
Identifiers: ClinVar variation 1322174 (VCV001322174.6), dbSNP rs2133668728, ClinGen allele CA2573053467.